The following is an entry in ClinVar:

NM_000090.4(COL3A1):c.1816-14G>A

Gene: COL3A1 (collagen type III alpha 1 chain; plus strand). Cytogenetic location: 2q32.2.
Variant type: single nucleotide variant.
Coding change: c.1816-14G>A on transcript NM_000090.4 (MANE Select); 14 bases into the intron before coding-DNA position 1816, G replaced by A.
Molecular consequence: intron variant.
Genome position (GRCh38, 1-based): chr2:188,997,322, G>A. VCF-style: chr2-188997322-G-A. GRCh37 (hg19) VCF-style: chr2-189862048-G-A.
Identifiers: ClinVar variation 1595439 (VCV001595439.9), dbSNP rs7579815, ClinGen allele CA2573133086.
Genomic context (GRCh38, chr2:188,997,322, plus strand): 5'-CGTTCATCTCCAACCTTCTGACTTCTCTCTGTAATCTGTATTATTTCTACTTCCCTAACT[G>A]TTCTTGTTTTTAGGGTCCTCCTGGAAAGAATGGTGAAACTGGACCTCAGGGACCCCCAGG-3'

ClinVar aggregate classification (germline): Likely benign. Review status: criteria provided, multiple submitters, no conflicts (2 of 4 stars). 2 submissions from 2 submitters: Likely benign (2). Last evaluated 2023-06-08.

Conditions:
Ehlers-Danlos syndrome, type 4 (EDSVASC). Also called: Ehlers-Danlos syndrome vascular type; Ehlers Danlos syndrome, ecchymotic type; Ehlers Danlos syndrome, arterial type; Ehlers Danlos syndrome, Sack-Barabas type; Ehlers-Danlos Syndrome Type IV. Identifiers: Orphanet 286, MedGen C0268338, MONDO:0017314, OMIM 130050.

gnomAD v4.1: 1 of 1,613,150 alleles (0.000062%); no homozygotes.

Submissions (2):

All of Us Research Program, National Institutes of Health
Classification: Likely benign for Ehlers-Danlos syndrome, type 4. Last evaluated: 2023-06-08. Review status: criteria provided, single submitter. Criteria: ACMG Guidelines, 2015. Collection method: clinical testing. Allele origin: germline. Inheritance: Autosomal dominant inheritance. Observed: 1 variant allele, 1 heterozygote.
Comment: This study involves interpretation of variants in research participants for the purpose of population health screening. Participant phenotype was not available at the time of variant classification. Additional details can be found in publication PMID: 35346344, PMCID: PMC8962531

Labcorp Genetics (formerly Invitae), Labcorp
Classification: Likely benign for Ehlers-Danlos syndrome, type 4. Last evaluated: 2021-11-19. Review status: criteria provided, single submitter. Criteria: Invitae Variant Classification Sherloc (09022015). Collection method: clinical testing. Allele origin: germline.